The following is an entry in ClinVar:

NM_031407.7(HUWE1):c.6031-5T>A

Gene: HUWE1 (HECT, UBA and WWE domain containing E3 ubiquitin protein ligase 1; minus strand). Cytogenetic location: Xp11.22.
Variant type: single nucleotide variant.
Coding change: c.6031-5T>A on transcript NM_031407.7 (MANE Select); 5 bases into the intron before coding-DNA position 6031, T replaced by A.
Molecular consequence: intron variant.
Genome position (GRCh38, 1-based): chrX:53,575,226, A>T on the plus strand (T>A on the coding strand, the complement: HUWE1 is on the minus strand). VCF-style: chrX-53575226-A-T. GRCh37 (hg19) VCF-style: chrX-53602186-A-T.
Other names: c.6028-5T>A (NM_001441048.1, NM_001441051.1, NM_001441053.1 and 2 more transcripts); c.6031-5T>A (NM_001441049.1, NM_001441052.1, NM_001441054.1 and 1 more transcripts); c.6052-5T>A (NM_001441050.1, NM_001441055.1).
Identifiers: ClinVar variation 4885522 (VCV004885522.2).
Genomic context (GRCh38, chrX:53,575,226, plus strand): 5'-GAGGTCCCAGATGCGGAAGTCTCAGTGGAGGCACCATCTGCAGCAAAGACCTGACTCTGA[A>T]GAAGAAGAAAACTCCTGAGCTATTATGAATTTCAAAAGCACCCGTCTGCAAATGGCAGAA-3'

ClinVar aggregate classification (germline): Uncertain significance (1 of 4 stars; one submission).

Submission:

Dasa
Classification: Uncertain significance. Last evaluated: 2026-02-04. Review status: criteria provided, single submitter. Criteria: DASA Assertion Criteria. Collection method: clinical testing. Allele origin: germline.
Comment: NM_031407.7(HUWE1):c.6031-5T>A is a splice-region variant predicted to affect normal RNA splicing. This variant is rare in population databases. Computational prediction algorithms are consistent with a deleterious effect. The currently available literature and clinical evidence are not sufficient to establish a definitive association between this variant and the reported condition. Therefore, this variant is classified as a variant of uncertain significance.